The following is an entry in ClinVar:

ClinVar aggregate classification (germline): Uncertain significance (1 of 4 stars; one submission).

Conditions:
Dilated cardiomyopathy 1G (CMD1G). Identifiers: Orphanet 154, MedGen C1858763, MONDO:0011400, OMIM 604145.
Autosomal recessive limb-girdle muscular dystrophy type 2J (LGMDR10). Also called: Limb-girdle muscular dystrophy, type 2J; MUSCULAR DYSTROPHY, LIMB-GIRDLE, AUTOSOMAL RECESSIVE 10. Identifiers: Orphanet 140922, MedGen C1837342, MONDO:0012127, OMIM 608807.

Allele frequency attached by ClinVar (database versions not stated): gnomAD 0.00001.
gnomAD v4.1: 1 of 1,609,178 alleles (0.000062%); highest among the groups gnomAD compares: Non-Finnish European, 0.000085%; no homozygotes.

Submission:

Labcorp Genetics (formerly Invitae), Labcorp
Classification: Uncertain significance for Dilated cardiomyopathy 1G; Autosomal recessive limb-girdle muscular dystrophy type 2J. Last evaluated: 2025-12-28. Review status: criteria provided, single submitter. Criteria: Invitae Variant Classification Sherloc (09022015). Collection method: clinical testing. Allele origin: germline.
Comment: This sequence change replaces threonine, which is neutral and polar, with isoleucine, which is neutral and non-polar, at codon 35491 of the TTN protein (p.Thr35491Ile). This variant is present in population databases (no rsID available, gnomAD 0.007%). This variant has not been reported in the literature in individuals affected with TTN-related conditions. ClinVar contains an entry for this variant (Variation ID: 2926863). Experimental studies and prediction algorithms are not available or were not evaluated, and the functional significance of this variant is currently unknown. This variant is located in the M band of TTN (PMID: 25589632). Non-truncating variants in this region may be relevant for neuromuscular disorders, but have not been definitively shown to cause cardiomyopathy (PMID: 23975875). In summary, the available evidence is currently insufficient to determine the role of this variant in disease. Therefore, it has been classified as a Variant of Uncertain Significance.

Literature cited by the submitters: PubMed 25589632; PubMed 23975875.

NM_001267550.2(TTN):c.106472C>T (p.Thr35491Ile)

Genes: TTN (titin; minus strand), TTN-AS1 (TTN antisense RNA 1; plus strand). Cytogenetic location: 2q31.2.
Variant type: single nucleotide variant.
Coding change: c.106472C>T on transcript NM_001267550.2 (MANE Select); coding-DNA position 106472, C replaced by T.
Protein change: p.Thr35491Ile; replaces threonine 35491 with isoleucine.
Molecular consequence: missense variant.
Genome position (GRCh38, 1-based): chr2:178,530,019, G>A on the plus strand (C>T on the coding strand, the complement: TTN is on the minus strand). VCF-style: chr2-178530019-G-A. GRCh37 (hg19) VCF-style: chr2-179394746-G-A.
Other names: c.101549C>T, p.Thr33850Ile (NM_001256850.1); c.79277C>T, p.Thr26426Ile (NM_003319.4); c.98768C>T, p.Thr32923Ile (NM_133378.4); c.79652C>T, p.Thr26551Ile (NM_133432.3); c.79853C>T, p.Thr26618Ile (NM_133437.4); short protein forms T33850I, T32923I, T35491I, T26551I, T26618I, T26426I.
Identifiers: ClinVar variation 2926863 (VCV002926863.3), dbSNP rs1461069852, ClinGen allele CA349405146.